The following is an entry in ClinVar:

NM_000384.3(APOB):c.5095C>A (p.Leu1699Met)

Gene: APOB (apolipoprotein B; minus strand). Cytogenetic location: 2p24.1.
Variant type: single nucleotide variant.
Coding change: c.5095C>A on transcript NM_000384.3 (MANE Select); coding-DNA position 5095, C replaced by A.
Protein change: p.Leu1699Met; replaces leucine 1699 with methionine.
Molecular consequence: missense variant.
Genome position (GRCh38, 1-based): chr2:21,011,773, G>T on the plus strand (C>A on the coding strand, the complement: APOB is on the minus strand). VCF-style: chr2-21011773-G-T. GRCh37 (hg19) VCF-style: chr2-21234645-G-T.
Other names: short protein forms L1699M.
Identifiers: ClinVar variation 3762770 (VCV003762770.2).

ClinVar aggregate classification (germline): Uncertain significance (1 of 4 stars; one submission).

Conditions:
Familial hypobetalipoproteinemia 1. Also called: Hypobetalipoproteinemia, normotriglyceridemic; Acanthocytosis with hypobetalipoproteinemia; APOB-Related Familial Hypobetalipoproteinemia. Identifiers: MedGen C4551990, MONDO:0014252, OMIM 615558.
Hypercholesterolemia, autosomal dominant, type B (FHCL2). Also called: APOB-Related Familial Hypercholesterolemia, Autosomal Dominant; Familial Hypercholesterolemia Type B; APOLIPOPROTEIN B-100, FAMILIAL DEFECTIVE; APOLIPOPROTEIN B-100, FAMILIAL LIGAND-DEFECTIVE; HYPERCHOLESTEROLEMIA, FAMILIAL, DUE TO LIGAND-DEFECTIVE APOLIPOPROTEIN B; Familial hypercholesterolemia 2. Identifiers: MedGen C1704417, MONDO:0007751, OMIM 144010.

gnomAD v4.1: 2 of 1,613,966 alleles (0.00012%); highest among the groups gnomAD compares: South Asian, 0.0022%; no homozygotes.

Submission:

Labcorp Genetics (formerly Invitae), Labcorp
Classification: Uncertain significance for Familial hypobetalipoproteinemia 1; Hypercholesterolemia, autosomal dominant, type B. Last evaluated: 2024-10-29. Review status: criteria provided, single submitter. Criteria: Invitae Variant Classification Sherloc (09022015). Collection method: clinical testing. Allele origin: germline.
Comment: This sequence change replaces leucine, which is neutral and non-polar, with methionine, which is neutral and non-polar, at codon 1699 of the APOB protein (p.Leu1699Met). This variant is not present in population databases (gnomAD no frequency). This variant has not been reported in the literature in individuals affected with APOB-related conditions. Invitae Evidence Modeling of protein sequence and biophysical properties (such as structural, functional, and spatial information, amino acid conservation, physicochemical variation, residue mobility, and thermodynamic stability) indicates that this missense variant is not expected to disrupt APOB protein function with a negative predictive value of 95%. In summary, the available evidence is currently insufficient to determine the role of this variant in disease. Therefore, it has been classified as a Variant of Uncertain Significance.